The following is an entry in ClinVar:

NM_014000.3(VCL):c.1789G>C (p.Asp597His)

Gene: VCL (vinculin; plus strand). Cytogenetic location: 10q22.2.
Variant type: single nucleotide variant.
Coding change: c.1789G>C on transcript NM_014000.3 (MANE Select); coding-DNA position 1789, G replaced by C.
Protein change: p.Asp597His; replaces aspartic acid 597 with histidine.
Molecular consequence: missense variant.
Genome position (GRCh38, 1-based): chr10:74,097,249, G>C. VCF-style: chr10-74097249-G-C. GRCh37 (hg19) VCF-style: chr10-75857007-G-C.
Other names: c.1789G>C, p.Asp597His (NM_003373.4); short protein forms D597H.
Identifiers: ClinVar variation 1430158 (VCV001430158.8), dbSNP rs1373810182, ClinGen allele CA377276598.

ClinVar aggregate classification (germline): Uncertain significance (1 of 4 stars; one submission).

Conditions:
Dilated cardiomyopathy 1W (CMD1W). Identifiers: Orphanet 154, MedGen C1969639, MONDO:0012667, OMIM 611407.

Allele frequency attached by ClinVar (database versions not stated): TOPMed below 0.00001; gnomAD 0.00001.
gnomAD v4.1: 1 of 1,614,040 alleles (0.000062%); highest among the groups gnomAD compares: African/African-American, 0.0013%; no homozygotes.

Submission:

Labcorp Genetics (formerly Invitae), Labcorp
Classification: Uncertain significance for Dilated cardiomyopathy 1W. Last evaluated: 2025-02-22. Review status: criteria provided, single submitter. Criteria: Invitae Variant Classification Sherloc (09022015). Collection method: clinical testing. Allele origin: germline.
Comment: This sequence change replaces aspartic acid, which is acidic and polar, with histidine, which is basic and polar, at codon 597 of the VCL protein (p.Asp597His). This variant is present in population databases (no rsID available, gnomAD 0.02%). This variant has not been reported in the literature in individuals affected with VCL-related conditions. ClinVar contains an entry for this variant (Variation ID: 1430158). An algorithm developed to predict the effect of missense changes on protein structure and function (PolyPhen-2) suggests that this variant is likely to be disruptive. In summary, the available evidence is currently insufficient to determine the role of this variant in disease. Therefore, it has been classified as a Variant of Uncertain Significance.